The following is an entry in ClinVar:

ClinVar aggregate classification (germline): Conflicting classifications of pathogenicity. Review status: criteria provided, conflicting classifications (1 of 4 stars). 2 submissions from 2 submitters: Uncertain significance (1); Likely benign (1). Last evaluated 2025-02-01.

Submissions (2):

CeGaT Center for Human Genetics Tuebingen
Classification: Likely benign. Last evaluated: 2025-02-01. Review status: criteria provided, single submitter. Criteria: CeGaT Center For Human Genetics Tuebingen Variant Classification Criteria Version 2. Collection method: clinical testing. Allele origin: germline. Affected: yes. Observed: 1 variant allele.
Comment: PLIN4: BP4

Ambry Genetics
Classification: Uncertain significance. Last evaluated: 2024-03-19. Review status: criteria provided, single submitter. Criteria: Ambry Variant Classification Scheme 2023. Collection method: clinical testing. Allele origin: germline.

NM_001367868.2(PLIN4):c.2143G>A (p.Val715Ile)

Gene: PLIN4 (perilipin 4; minus strand). Cytogenetic location: 19p13.3.
Variant type: single nucleotide variant.
Coding change: c.2143G>A on transcript NM_001367868.2 (MANE Select); coding-DNA position 2143, G replaced by A.
Protein change: p.Val715Ile; replaces valine 715 with isoleucine.
Molecular consequence: missense variant.
Genome position (GRCh38, 1-based): chr19:4,511,817, C>T on the plus strand (G>A on the coding strand, the complement: PLIN4 is on the minus strand). VCF-style: chr19-4511817-C-T. GRCh37 (hg19) VCF-style: chr19-4511829-C-T.
Other names: NM_001080400.1:c.2101G>A; c.2143G>A, p.Val715Ile (NM_001393891.1, NM_001393890.1); c.2146G>A, p.Val716Ile (NM_001393888.1, NM_001393889.1); short protein forms V716I, V715I.
Identifiers: ClinVar variation 3307759 (VCV003307759.14).